The following is an entry in ClinVar:

NM_006164.5(NFE2L2):c.206C>G (p.Ala69Gly)

Gene: NFE2L2 (NFE2 like bZIP transcription factor 2; minus strand). Cytogenetic location: 2q31.2.
Variant type: single nucleotide variant.
Coding change: c.206C>G on transcript NM_006164.5 (MANE Select); coding-DNA position 206, C replaced by G.
Protein change: p.Ala69Gly; replaces alanine 69 with glycine.
Molecular consequence: missense variant. On other transcripts: 5 prime UTR variant (1), intron variant (1).
Genome position (GRCh38, 1-based): chr2:177,234,111, G>C on the plus strand (C>G on the coding strand, the complement: NFE2L2 is on the minus strand). VCF-style: chr2-177234111-G-C. GRCh37 (hg19) VCF-style: chr2-178098839-G-C.
Other names: c.158C>G, p.Ala53Gly (NM_001145412.3, NM_001145413.3, NM_001313900.1 and 1 more transcripts); c.206C>G, p.Ala69Gly (NM_001313902.2); c.-24C>G (NM_001313904.1); c.93+113C>G (NM_001313903.2); short protein forms A53G, A69G.
Identifiers: ClinVar variation 2502603 (VCV002502603.3), dbSNP rs2105458747, ClinGen allele CA349380718.

ClinVar aggregate classification (germline): Uncertain significance. Review status: criteria provided, single submitter (1 of 4 stars). 2 submissions from 2 submitters: Uncertain significance (1). 1 of the submissions does not count toward it. Last evaluated 2022-11-22.

Conditions:
NFE2L2-related disorder. Also called: NFE2L2-related condition.

Submissions (2):

GeneDx
Classification: Uncertain significance. Last evaluated: 2022-11-22. Review status: criteria provided, single submitter. Criteria: GeneDx Variant Classification Process June 2021. Collection method: clinical testing. Allele origin: germline. Affected: yes.
Comment: Not observed at significant frequency in large population cohorts (gnomAD); In silico analysis supports that this missense variant does not alter protein structure/function; Has not been previously published as pathogenic or benign to our knowledge

PreventionGenetics, part of Exact Sciences
Classification: Uncertain significance for NFE2L2-related condition. Last evaluated: 2023-10-30. Review status: no assertion criteria provided. Collection method: clinical testing. Allele origin: germline. Not counted in ClinVar's aggregate classification.
Comment: The NFE2L2 c.206C>G variant is predicted to result in the amino acid substitution p.Ala69Gly. To our knowledge, this variant has not been reported in the literature or in a large population database, indicating this variant is rare. At this time, the clinical significance of this variant is uncertain due to the absence of conclusive functional and genetic evidence.